The following is an entry in ClinVar:

ClinVar aggregate classification (germline): Uncertain significance. Review status: criteria provided, multiple submitters, no conflicts (2 of 4 stars). 2 submissions from 2 submitters: Uncertain significance (2). Last evaluated 2024-02-16.

Allele frequency attached by ClinVar (database versions not stated): gnomAD 0.00001; TOPMed 0.00001; gnomAD exomes 0.00002.
gnomAD v4.1: 8 of 1,208,919 alleles (0.00066%); highest among the groups gnomAD compares: Non-Finnish European, 0.00089%; no homozygotes.

Submissions (2):

Labcorp Genetics (formerly Invitae), Labcorp
Classification: Uncertain significance. Last evaluated: 2024-02-16. Review status: criteria provided, single submitter. Criteria: Invitae Variant Classification Sherloc (09022015). Collection method: clinical testing. Allele origin: germline.
Comment: This sequence change replaces glycine, which is neutral and non-polar, with alanine, which is neutral and non-polar, at codon 206 of the NAA10 protein (p.Gly206Ala). This variant is present in population databases (no rsID available, gnomAD 0.01%). This variant has not been reported in the literature in individuals affected with NAA10-related conditions. ClinVar contains an entry for this variant (Variation ID: 2661760). An algorithm developed to predict the effect of missense changes on protein structure and function (PolyPhen-2) suggests that this variant is likely to be tolerated. In summary, the available evidence is currently insufficient to determine the role of this variant in disease. Therefore, it has been classified as a Variant of Uncertain Significance.

CeGaT Center for Human Genetics Tuebingen
Classification: Uncertain significance. Last evaluated: 2022-09-01. Review status: criteria provided, single submitter. Criteria: CeGaT Center For Human Genetics Tuebingen Variant Classification Criteria Version 2. Collection method: clinical testing. Allele origin: germline. Affected: yes. Observed: 1 variant allele.

NM_003491.4(NAA10):c.617G>C (p.Gly206Ala)

Gene: NAA10 (N-alpha-acetyltransferase 10, NatA catalytic subunit; minus strand). Cytogenetic location: Xq28.
Variant type: single nucleotide variant.
Coding change: c.617G>C on transcript NM_003491.4 (MANE Select); coding-DNA position 617, G replaced by C.
Protein change: p.Gly206Ala; replaces glycine 206 with alanine.
Molecular consequence: missense variant.
Genome position (GRCh38, 1-based): chrX:153,930,078, C>G on the plus strand (G>C on the coding strand, the complement: NAA10 is on the minus strand). VCF-style: chrX-153930078-C-G. GRCh37 (hg19) VCF-style: chrX-153195531-C-G.
Other names: c.572G>C, p.Gly191Ala (NM_001256119.2); c.599G>C, p.Gly200Ala (NM_001256120.2); short protein forms G191A, G200A, G206A.
Identifiers: ClinVar variation 2661760 (VCV002661760.26), dbSNP rs1426785003, ClinGen allele CA415153026.